The following is an entry in ClinVar:

NM_000465.4(BARD1):c.2097G>T (p.Gly699=)

Gene: BARD1 (BRCA1 associated RING domain 1; minus strand). Cytogenetic location: 2q35.
Variant type: single nucleotide variant.
Coding change: c.2097G>T on transcript NM_000465.4 (MANE Select); coding-DNA position 2097, G replaced by T.
Protein change: p.Gly699=; no amino-acid change (glycine 699 retained).
Molecular consequence: synonymous variant. On other transcripts: non-coding transcript variant (3).
Genome position (GRCh38, 1-based): chr2:214,728,913, C>A on the plus strand (G>T on the coding strand, the complement: BARD1 is on the minus strand). VCF-style: chr2-214728913-C-A. GRCh37 (hg19) VCF-style: chr2-215593637-C-A.
Other names: c.2040G>T, p.Gly680= (NM_001282543.2); c.744G>T, p.Gly248= (NM_001282545.2); c.687G>T, p.Gly229= (NM_001282548.2); c.558G>T, p.Gly186= (NM_001282549.2).
Identifiers: ClinVar variation 231531 (VCV000231531.6), dbSNP rs876659210, ClinGen allele CA10577769.

ClinVar aggregate classification (germline): Benign/Likely benign. Review status: criteria provided, multiple submitters, no conflicts (2 of 4 stars). 3 submissions from 3 submitters: Benign (1); Likely benign (2). Last evaluated 2024-07-29.

Conditions:
Familial cancer of breast. Also called: BREAST CANCER, FAMILIAL; hereditary breast carcinoma; Hereditary breast cancer. Identifiers: Orphanet 227535, MedGen C0346153, MONDO:0016419, OMIM 114480. Disease mechanism: loss of function.
Hereditary cancer-predisposing syndrome. Also called: Neoplastic Syndromes, Hereditary; Tumor predisposition; Hereditary Cancer Syndrome; Hereditary neoplastic syndrome. Identifiers: Orphanet 140162, MedGen C0027672, MeSH D009386, MONDO:0015356.

Submissions (3):

Myriad Genetics, Inc.
Classification: Benign for Familial cancer of breast. Last evaluated: 2024-07-29. Review status: criteria provided, single submitter. Criteria: Myriad Autosomal Dominant, Autosomal Recessive and X-Linked Classification Criteria (2023). Collection method: clinical testing. Allele origin: unknown.
Comment: This variant is considered benign. This variant is a silent/synonymous amino acid change and it is not expected to impact splicing.

GeneDx
Classification: Likely benign. Last evaluated: 2016-10-31. Review status: criteria provided, single submitter. Criteria: GeneDx Variant Classification (06012015). Collection method: clinical testing. Allele origin: germline. Affected: yes.
Comment: This variant is considered likely benign or benign based on one or more of the following criteria: it is a conservative change, it occurs at a poorly conserved position in the protein, it is predicted to be benign by multiple in silico algorithms, and/or has population frequency not consistent with disease.

Ambry Genetics
Classification: Likely benign for Hereditary cancer-predisposing syndrome. Last evaluated: 2015-05-01. Review status: criteria provided, single submitter. Criteria: Ambry Variant Classification Scheme 2023. Collection method: clinical testing. Allele origin: germline.